The following is an entry in ClinVar:

NM_003221.4(TFAP2B):c.540G>A (p.Gln180=)

Gene: TFAP2B (transcription factor AP-2 beta; plus strand). Cytogenetic location: 6p12.3.
Variant type: single nucleotide variant.
Coding change: c.540G>A on transcript NM_003221.4 (MANE Select); coding-DNA position 540, G replaced by A.
Protein change: p.Gln180=; no amino-acid change (glutamine 180 retained).
Molecular consequence: synonymous variant.
Genome position (GRCh38, 1-based): chr6:50,823,865, G>A. VCF-style: chr6-50823865-G-A. GRCh37 (hg19) VCF-style: chr6-50791578-G-A.
Identifiers: ClinVar variation 1314941 (VCV001314941.2), dbSNP rs2113930232, ClinGen allele CA450612457.

ClinVar aggregate classification (germline): Uncertain significance (1 of 4 stars; one submission).

Allele frequency attached by ClinVar (database versions not stated): gnomAD exomes below 0.00001.
gnomAD v4.1: 2 of 1,530,806 alleles (0.00013%); highest among the groups gnomAD compares: Non-Finnish European, 0.00017%; no homozygotes.

Submission:

GeneDx
Classification: Uncertain significance. Last evaluated: 2020-02-10. Review status: criteria provided, single submitter. Criteria: GeneDx Variant Classification Process June 2021. Collection method: clinical testing. Allele origin: germline. Affected: yes.
Comment: Not observed in large population cohorts (Lek et al., 2016); In silico analysis supports a deleterious effect on splicing.; Has not been previously published as pathogenic or benign to our knowledge